The following is an entry in ClinVar:

NM_152564.5(VPS13B):c.4062A>C (p.Glu1354Asp)

Gene: VPS13B (vacuolar protein sorting 13 homolog B; plus strand). Cytogenetic location: 8q22.2.
Variant type: single nucleotide variant.
Coding change: c.4062A>C on transcript NM_152564.5 (MANE Select); coding-DNA position 4062, A replaced by C.
Protein change: p.Glu1354Asp; replaces glutamic acid 1354 with aspartic acid.
Molecular consequence: missense variant.
Genome position (GRCh38, 1-based): chr8:99,502,855, A>C. VCF-style: chr8-99502855-A-C. GRCh37 (hg19) VCF-style: chr8-100515083-A-C.
Other names: c.4062A>C, p.Glu1354Asp (NM_017890.5); short protein forms E1354D.
Identifiers: ClinVar variation 2633804 (VCV002633804.1), dbSNP rs752275931, ClinGen allele CA4823411.

ClinVar aggregate classification (germline): Uncertain significance (1 of 4 stars; one submission).

Conditions:
VPS13B-related disorder. Also called: VPS13B-related condition.

Allele frequency attached by ClinVar (database versions not stated): gnomAD exomes below 0.00001; TOPMed below 0.00001; ExAC 0.00001; gnomAD 0.00001.
gnomAD v4.1: 3 of 1,613,162 alleles (0.00019%); highest among the groups gnomAD compares: African/African-American, 0.004%; no homozygotes.

Submission:

PreventionGenetics, part of Exact Sciences
Classification: Uncertain significance for VPS13B-related condition. Last evaluated: 2023-03-16. Review status: criteria provided, single submitter. Criteria: ACMG Guidelines, 2015. Collection method: clinical testing. Allele origin: germline.
Comment: The VPS13B c.4062A>C variant is predicted to result in the amino acid substitution p.Glu1354Asp. To our knowledge, this variant has not been reported in the literature. This variant is reported in 0.0062% of alleles in individuals of African descent in gnomAD. At this time, the clinical significance of this variant is uncertain due to the absence of conclusive functional and genetic evidence.